The following is an entry in ClinVar:

NM_000057.4(BLM):c.2556-9C>G

Gene: BLM (BLM RecQ like helicase; plus strand). Cytogenetic location: 15q26.1.
Variant type: single nucleotide variant.
Coding change: c.2556-9C>G on transcript NM_000057.4 (MANE Select); 9 bases into the intron before coding-DNA position 2556, C replaced by G.
Molecular consequence: intron variant.
Genome position (GRCh38, 1-based): chr15:90,782,813, C>G. VCF-style: chr15-90782813-C-G. GRCh37 (hg19) VCF-style: chr15-91326043-C-G.
Other names: c.2556-9C>G (NM_001287246.2, NM_001287247.2); c.1431-9C>G (NM_001287248.2).
Identifiers: ClinVar variation 3709067 (VCV003709067.2).

ClinVar aggregate classification (germline): Uncertain significance (1 of 4 stars; one submission).

Conditions:
Bloom syndrome (BLM). Also called: Bloom-Torre-Machacek syndrome. Identifiers: Orphanet 125, MedGen C0005859, MONDO:0008876, OMIM 210900.

gnomAD v4.1: 2 of 1,593,214 alleles (0.00013%); highest among the groups gnomAD compares: Non-Finnish European, 0.00017%; no homozygotes.

Submission:

Labcorp Genetics (formerly Invitae), Labcorp
Classification: Uncertain significance for Bloom syndrome. Last evaluated: 2024-09-18. Review status: criteria provided, single submitter. Criteria: Invitae Variant Classification Sherloc (09022015). Collection method: clinical testing. Allele origin: germline.
Comment: This sequence change falls in intron 12 of the BLM gene. It does not directly change the encoded amino acid sequence of the BLM protein. This variant is not present in population databases (gnomAD no frequency). This variant has not been reported in the literature in individuals affected with BLM-related conditions. Algorithms developed to predict the effect of sequence changes on RNA splicing suggest that this variant may disrupt the consensus splice site. In summary, the available evidence is currently insufficient to determine the role of this variant in disease. Therefore, it has been classified as a Variant of Uncertain Significance.